The following is an entry in ClinVar:

ClinVar aggregate classification (germline): Likely pathogenic. Review status: criteria provided, multiple submitters, no conflicts (2 of 4 stars). 2 submissions from 2 submitters: Likely pathogenic (2). Last evaluated 2024-11-01.

Conditions:
PTRF-related disorders.
Congenital generalized lipodystrophy type 4. Also called: BERARDINELLI-SEIP CONGENITAL LIPODYSTROPHY, TYPE 4, WITH MUSCULAR DYSTROPHY. Identifiers: Orphanet 228429, MedGen C2750069, MONDO:0013225, OMIM 613327.

Submissions (2):

Human Genetics Section, Sidra Medicine
Classification: Likely pathogenic for Congenital generalized lipodystrophy type 4. Last evaluated: 2024-11-01. Review status: criteria provided, single submitter. Criteria: ACMG Guidelines, 2015. Collection method: research. Allele origin: germline. Affected: yes. Observed: 1 variant allele.
Comment: Allele frequency is extremely low in all databases (GnomAD total allele frequency 0.00003213). Frameshift variant predicted to result in protein truncation or nonsense mediated decay in a gene for which loss-of-function is a known mechanism of disease.

Blueprint Genetics
Classification: Likely pathogenic for PTRF-related disorders. Last evaluated: 2021-04-29. Review status: criteria provided, single submitter. Criteria: ACMG Guidelines, 2015. Collection method: clinical testing. Allele origin: germline. Affected: yes. Observed: 1 variant allele.

NM_012232.6(CAVIN1):c.1061_1091del (p.Glu354fs)

Gene: CAVIN1 (caveolae associated protein 1; minus strand). Cytogenetic location: 17q21.2.
Variant type: Deletion.
Coding change: c.1061_1091del on transcript NM_012232.6 (MANE Select); coding-DNA positions 1061 to 1091, 31 bases deleted.
Protein change: p.Glu354fs; shifts the reading frame from glutamic acid 354.
Molecular consequence: frameshift variant.
Genome position (GRCh38, 1-based): chr17:42,404,769-42,404,799, 31 bases deleted; deleting any 31 consecutive bases within chr17:42,404,769-42,404,808 gives the same sequence; the c. name uses the placement nearest the transcript's 3' end. GRCh37 (hg19): chr17:40,556,796-40,556,826.
Other names: short protein forms E354fs.
Identifiers: ClinVar variation 3764538 (VCV003764538.3).
Genomic context (GRCh38, chr17:42,404,768, plus strand): 5'-CACCAGCACGGCGTCCGACTCCTCGGTGATCTCCAGCAGCGCGTGCACGTCGGGGCTGCT[CCCGCGCCGCAGGTCGCCGGCCTCCCCGCGCT>C]CCGCGCCGCCCTCGTCGTCGTCGGCGCCCACCTCCACCATCTCGGTGGCCTTGAGCACTT-3'